The following is an entry in ClinVar:

NM_001164508.2(NEB):c.23083C>T (p.Pro7695Ser)

Genes: NEB (nebulin; minus strand), RIF1 (replication timing regulatory factor 1; plus strand). Cytogenetic location: 2q23.3.
Variant type: single nucleotide variant.
Coding change: c.23083C>T on transcript NM_001164508.2 (MANE Select); coding-DNA position 23083, C replaced by T.
Protein change: p.Pro7695Ser; replaces proline 7695 with serine.
Molecular consequence: missense variant.
Genome position (GRCh38, 1-based): chr2:151,514,362, G>A on the plus strand (C>T on the coding strand, the complement: NEB is on the minus strand). VCF-style: chr2-151514362-G-A. GRCh37 (hg19) VCF-style: chr2-152370876-G-A.
Other names: c.23083C>T, p.Pro7695Ser (NM_001164507.2); c.23188C>T, p.Pro7730Ser (NM_001271208.2); c.17980C>T, p.Pro5994Ser (NM_004543.5); short protein forms P7730S, P7695S, P5994S.
Identifiers: ClinVar variation 2154122 (VCV002154122.3), dbSNP rs757006805, ClinGen allele CA348752946.

ClinVar aggregate classification (germline): Uncertain significance (1 of 4 stars; one submission).

Conditions:
Nemaline myopathy 2 (NEM2). Also called: Nemaline myopathy 2, autosomal recessive. Identifiers: MedGen C1850569, MONDO:0009725, OMIM 256030.

gnomAD v4.1: 3 of 1,613,800 alleles (0.00019%); highest among the groups gnomAD compares: Non-Finnish European, 0.00025%; no homozygotes.

Submission:

Labcorp Genetics (formerly Invitae), Labcorp
Classification: Uncertain significance for Nemaline myopathy 2. Last evaluated: 2024-11-04. Review status: criteria provided, single submitter. Criteria: Invitae Variant Classification Sherloc (09022015). Collection method: clinical testing. Allele origin: germline.
Comment: This sequence change replaces proline, which is neutral and non-polar, with serine, which is neutral and polar, at codon 7730 of the NEB protein (p.Pro7730Ser). This variant is not present in population databases (gnomAD no frequency). This variant has not been reported in the literature in individuals affected with NEB-related conditions. ClinVar contains an entry for this variant (Variation ID: 2154122). Experimental studies and prediction algorithms are not available or were not evaluated, and the functional significance of this variant is currently unknown. In summary, the available evidence is currently insufficient to determine the role of this variant in disease. Therefore, it has been classified as a Variant of Uncertain Significance.